The following is an entry in ClinVar:

ClinVar aggregate classification (germline): Uncertain significance. Review status: criteria provided, multiple submitters, no conflicts (2 of 4 stars). 3 submissions from 3 submitters: Uncertain significance (3). Last evaluated 2024-12-13.

Conditions:
Neutropenia, severe congenital, 1, autosomal dominant. Identifiers: MedGen C1859966, MONDO:0042490, OMIM 202700.
Cyclical neutropenia. Also called: Cyclic Neutropenia; Cyclic hematopoiesis. Identifiers: Orphanet 2686, MedGen C0221023, MONDO:0008090, OMIM 162800, HP:0040289. Disease mechanism: loss of function.
Inborn genetic diseases. Identifiers: MedGen C0950123, MeSH D030342.

Allele frequency attached by ClinVar (database versions not stated): gnomAD exomes 0.00001 and 0.00002; TOPMed 0.00001.
gnomAD v4.1: 16 of 1,559,722 alleles (0.001%); highest among the groups gnomAD compares: Middle Eastern, 0.018%; no homozygotes.

Submissions (3):

Ambry Genetics
Classification: Uncertain significance for Inborn genetic diseases. Last evaluated: 2024-12-13. Review status: criteria provided, single submitter. Criteria: Ambry Variant Classification Scheme 2023. Collection method: clinical testing. Allele origin: germline.
Comment: The p.V75I variant (also known as c.223G>A), located in coding exon 2 of the ELANE gene, results from a G to A substitution at nucleotide position 223. The valine at codon 75 is replaced by isoleucine, an amino acid with highly similar properties. This amino acid position is conserved. In addition, this alteration is predicted to be tolerated by in silico analysis. Based on the available evidence, the clinical significance of this variant remains unclear.

Labcorp Genetics (formerly Invitae), Labcorp
Classification: Uncertain significance for Neutropenia, severe congenital, 1, autosomal dominant; Cyclical neutropenia. Last evaluated: 2024-02-24. Review status: criteria provided, single submitter. Criteria: Invitae Variant Classification Sherloc (09022015). Collection method: clinical testing. Allele origin: germline.
Comment: This sequence change replaces valine, which is neutral and non-polar, with isoleucine, which is neutral and non-polar, at codon 75 of the ELANE protein (p.Val75Ile). The frequency data for this variant in the population databases is considered unreliable, as metrics indicate poor data quality at this position in the gnomAD database. This variant has not been reported in the literature in individuals affected with ELANE-related conditions. ClinVar contains an entry for this variant (Variation ID: 1337210). Algorithms developed to predict the effect of missense changes on protein structure and function output the following: SIFT: "Not Available"; PolyPhen-2: "Benign"; Align-GVGD: "Not Available". The isoleucine amino acid residue is found in multiple mammalian species, which suggests that this missense change does not adversely affect protein function. In summary, the available evidence is currently insufficient to determine the role of this variant in disease. Therefore, it has been classified as a Variant of Uncertain Significance.

Genetic Services Laboratory, University of Chicago
Classification: Uncertain significance. Last evaluated: 2019-06-25. Review status: criteria provided, single submitter. Criteria: ACMG Guidelines, 2015. Collection method: clinical testing. Allele origin: germline. Affected: no.

NM_001972.4(ELANE):c.223G>A (p.Val75Ile)

Gene: ELANE (elastase, neutrophil expressed; plus strand). Cytogenetic location: 19p13.3.
Variant type: single nucleotide variant.
Coding change: c.223G>A on transcript NM_001972.4 (MANE Select); coding-DNA position 223, G replaced by A.
Protein change: p.Val75Ile; replaces valine 75 with isoleucine.
Molecular consequence: missense variant.
Genome position (GRCh38, 1-based): chr19:853,031, G>A. VCF-style: chr19-853031-G-A. GRCh37 (hg19) VCF-style: chr19-853031-G-A.
Other names: short protein forms V75I.
Identifiers: ClinVar variation 1337210 (VCV001337210.10), dbSNP rs200998348, ClinGen allele CA303942850.